The following is an entry in ClinVar:

ClinVar aggregate classification (germline): Uncertain significance (1 of 4 stars; one submission).

Conditions:
Familial cancer of breast. Also called: Hereditary breast cancer; BREAST CANCER, FAMILIAL; hereditary breast carcinoma. Identifiers: Orphanet 227535, MedGen C0346153, MONDO:0016419, OMIM 114480. Disease mechanism: loss of function.

gnomAD v4.1: 1 of 1,614,040 alleles (0.000062%); highest among the groups gnomAD compares: Non-Finnish European, 0.000085%; no homozygotes.

Submission:

Labcorp Genetics (formerly Invitae), Labcorp
Classification: Uncertain significance for Familial cancer of breast. Last evaluated: 2023-10-15. Review status: criteria provided, single submitter. Criteria: Invitae Variant Classification Sherloc (09022015). Collection method: clinical testing. Allele origin: germline.
Comment: This sequence change replaces glycine, which is neutral and non-polar, with tryptophan, which is neutral and slightly polar, at codon 439 of the PALB2 protein (p.Gly439Trp). This variant is not present in population databases (gnomAD no frequency). This variant has not been reported in the literature in individuals affected with PALB2-related conditions. Advanced modeling of protein sequence and biophysical properties (such as structural, functional, and spatial information, amino acid conservation, physicochemical variation, residue mobility, and thermodynamic stability) performed at Invitae indicates that this missense variant is expected to disrupt PALB2 protein function. In summary, the available evidence is currently insufficient to determine the role of this variant in disease. Therefore, it has been classified as a Variant of Uncertain Significance.

NM_024675.4(PALB2):c.1315G>T (p.Gly439Trp)

Gene: PALB2 (partner and localizer of BRCA2; minus strand). Cytogenetic location: 16p12.2.
Variant type: single nucleotide variant.
Coding change: c.1315G>T on transcript NM_024675.4 (MANE Select); coding-DNA position 1315, G replaced by T.
Protein change: p.Gly439Trp; replaces glycine 439 with tryptophan.
Molecular consequence: missense variant. On other transcripts: intron variant (3).
Genome position (GRCh38, 1-based): chr16:23,635,231, C>A on the plus strand (G>T on the coding strand, the complement: PALB2 is on the minus strand). VCF-style: chr16-23635231-C-A. GRCh37 (hg19) VCF-style: chr16-23646552-C-A.
Other names: c.430G>T, p.Gly144Trp (NM_001407310.1, NM_001407311.1, NM_001407306.1 and 5 more transcripts); c.-104-4762G>T (NM_001407312.1, NM_001407313.1); c.48+5879G>T (NM_001407314.1); c.1255G>T, p.Gly419Trp (NM_001407296.1); c.1315G>T, p.Gly439Trp (NM_001407297.1, NM_001407298.1, NM_001407301.1 and 3 more transcripts); short protein forms G144W, G419W, G439W.
Identifiers: ClinVar variation 2768587 (VCV002768587.3), dbSNP rs764750338, ClinGen allele CA395132370.